The following is an entry in ClinVar:

NM_001369.3(DNAH5):c.5025_5034dup (p.Cys1679fs)

Gene: DNAH5 (dynein axonemal heavy chain 5; minus strand). Cytogenetic location: 5p15.2.
Variant type: Duplication.
Coding change: c.5025_5034dup on transcript NM_001369.3 (MANE Select); coding-DNA positions 5025 to 5034, 10 bases duplicated (AGTCCAGTGC; older notation c.5025_5034dupAGTCCAGTGC).
Protein change: p.Cys1679fs; shifts the reading frame from cysteine 1679.
Molecular consequence: frameshift variant.
Genome position (GRCh38, 1-based): chr5:13,850,732-13,850,741, GCACTGGACT duplicated on the plus strand (AGTCCAGTGC on the coding strand, the reverse complement: DNAH5 is on the minus strand). VCF-style (leftmost placement, unchanged base first): chr5-13850731-A-AGCACTGGACT. GRCh37 (hg19) VCF-style: chr5-13850840-A-AGCACTGGACT.
Other names: short protein forms C1679fs.
Identifiers: ClinVar variation 5015392 (VCV005015392.1).

ClinVar aggregate classification (germline): Pathogenic (1 of 4 stars; one submission).

Conditions:
Primary ciliary dyskinesia 3. Identifiers: Orphanet 244, MedGen C1837618, MONDO:0012085, OMIM 608644.

Submission:

Myriad Genetics, Inc.
Classification: Pathogenic for Primary ciliary dyskinesia 3. Last evaluated: 2024-05-14. Review status: criteria provided, single submitter. Criteria: Myriad Autosomal Dominant, Autosomal Recessive and X-Linked Classification Criteria (2023). Collection method: clinical testing. Allele origin: unknown.
Comment: NM_001369.2(DNAH5):c.5025_5034dup10(C1679Sfs*8) is expected to be pathogenic in the context of primary ciliary dyskinesia, DNAH5-related. This variant is predicted to lead to an abnormal or absent protein product due to the creation of a premature termination codon in DNAH5, a gene where loss-of-function variants are known to be pathogenic. Please note: this variant was assessed in the context of healthy population screening.